The following is an entry in ClinVar:

ClinVar aggregate classification (germline): Uncertain significance. Review status: criteria provided, multiple submitters, no conflicts (2 of 4 stars). 2 submissions from 2 submitters: Uncertain significance (2). Last evaluated 2025-04-17.

Conditions:
Primary dilated cardiomyopathy (DCM). Also called: Dilated Cardiomyopathy. Identifiers: Orphanet 217604, MedGen C0007193, MeSH D002311, MONDO:0005021, HP:0001644. Inheritance: Various modes of inheritance.

Allele frequency attached by ClinVar (database versions not stated): ExAC 0.00001; gnomAD 0.00001; gnomAD exomes 0.00001; TOPMed 0.00001.
gnomAD v4.1: 15 of 1,583,188 alleles (0.00095%); highest among the groups gnomAD compares: Non-Finnish European, 0.0013%; no homozygotes.

Submissions (2):

Labcorp Genetics (formerly Invitae), Labcorp
Classification: Uncertain significance for Primary dilated cardiomyopathy. Last evaluated: 2025-04-17. Review status: criteria provided, single submitter. Criteria: Invitae Variant Classification Sherloc (09022015). Collection method: clinical testing. Allele origin: germline.
Comment: This sequence change replaces isoleucine, which is neutral and non-polar, with valine, which is neutral and non-polar, at codon 403 of the NEBL protein (p.Ile403Val). This variant is present in population databases (rs200534792, gnomAD 0.0009%). This variant has not been reported in the literature in individuals affected with NEBL-related conditions. ClinVar contains an entry for this variant (Variation ID: 578205). An algorithm developed to predict the effect of missense changes on protein structure and function outputs the following: PolyPhen-2: "Benign". The valine amino acid residue is found in multiple mammalian species, which suggests that this missense change does not adversely affect protein function. In summary, the available evidence is currently insufficient to determine the role of this variant in disease. Therefore, it has been classified as a Variant of Uncertain Significance.

Ambry Genetics
Classification: Uncertain significance. Last evaluated: 2023-10-01. Review status: criteria provided, single submitter. Criteria: Ambry Variant Classification Scheme 2023. Collection method: clinical testing. Allele origin: germline.
Comment: The p.I403V variant (also known as c.1207A>G), located in coding exon 12 of the NEBL gene, results from an A to G substitution at nucleotide position 1207. The isoleucine at codon 403 is replaced by valine, an amino acid with highly similar properties. This amino acid position is conserved. In addition, this alteration is predicted to be tolerated by in silico analysis. Since supporting evidence is limited at this time, the clinical significance of this alteration remains unclear.

NM_006393.3(NEBL):c.1207A>G (p.Ile403Val)

Gene: NEBL (nebulette; minus strand). Cytogenetic location: 10p12.31.
Variant type: single nucleotide variant.
Coding change: c.1207A>G on transcript NM_006393.3 (MANE Select); coding-DNA position 1207, A replaced by G.
Protein change: p.Ile403Val; replaces isoleucine 403 with valine.
Molecular consequence: missense variant. On other transcripts: intron variant (9).
Genome position (GRCh38, 1-based): chr10:20,845,278, T>C on the plus strand (A>G on the coding strand, the complement: NEBL is on the minus strand). VCF-style: chr10-20845278-T-C. GRCh37 (hg19) VCF-style: chr10-21134207-T-C.
Other names: c.250-32338A>G (NM_001377326.1, NM_001377327.1, NM_001377328.1); c.358-32338A>G (NM_213569.2, NM_001173484.2, NM_001377322.1); c.301-32338A>G (NM_001377324.1); c.292-32338A>G (NM_001377325.1); c.310-32338A>G (NM_001377323.1); short protein forms I403V.
Identifiers: ClinVar variation 578205 (VCV000578205.10), dbSNP rs200534792, ClinGen allele CA5432949.